The following is an entry in ClinVar:

NM_000038.6(APC):c.7918T>C (p.Ser2640Pro)

Gene: APC (APC regulator of Wnt signaling pathway; plus strand). Cytogenetic location: 5q22.2.
Variant type: single nucleotide variant.
Coding change: c.7918T>C on transcript NM_000038.6 (MANE Select); coding-DNA position 7918, T replaced by C.
Protein change: p.Ser2640Pro; replaces serine 2640 with proline.
Molecular consequence: missense variant.
Genome position (GRCh38, 1-based): chr5:112,843,512, T>C. VCF-style: chr5-112843512-T-C. GRCh37 (hg19) VCF-style: chr5-112179209-T-C.
Other names: c.7918T>C, p.Ser2640Pro (NM_001127510.3, NM_001354895.2); c.7864T>C, p.Ser2622Pro (NM_001127511.3); c.7972T>C, p.Ser2658Pro (NM_001354896.2); c.7948T>C, p.Ser2650Pro (NM_001354897.2); c.7843T>C, p.Ser2615Pro (NM_001354898.2); c.7834T>C, p.Ser2612Pro (NM_001354899.2); c.7795T>C, p.Ser2599Pro (NM_001354900.2); c.7741T>C, p.Ser2581Pro (NM_001354901.2); and 5 more; short protein forms S2622P, S2640P, S2357P, S2549P, S2599P, S2480P, S2612P, S2615P.
Identifiers: ClinVar variation 485092 (VCV000485092.20), dbSNP rs1554088753, ClinGen allele CA16038525.
Genomic context (GRCh38, chr5:112,843,512, plus strand): 5'-TTTTCTCCCACAAATAGTACTTCTCAGACCGTTTCCTCAGGTGCTACAAATGGTGCTGAA[T>C]CAAAGACTCTAATTTATCAAATGGCACCTGCTGTTTCTAAAACAGAGGATGTTTGGGTGA-3'
Protein context (NP_000029.2, residues 2630-2650): VSSGATNGAE[Ser2640Pro]KTLIYQMAPA

ClinVar aggregate classification (germline): Uncertain significance. Review status: criteria provided, multiple submitters, no conflicts (2 of 4 stars). 3 submissions from 3 submitters: Uncertain significance (3). Last evaluated 2025-10-03.

Conditions:
Hereditary cancer-predisposing syndrome. Also called: Neoplastic Syndromes, Hereditary; Tumor predisposition; Hereditary Cancer Syndrome; Hereditary neoplastic syndrome. Identifiers: Orphanet 140162, MedGen C0027672, MeSH D009386, MONDO:0015356.
Familial adenomatous polyposis 1 (FAP1). Also called: FAMILIAL ADENOMATOUS POLYPOSIS 1, ATTENUATED; POLYPOSIS, ADENOMATOUS INTESTINAL. Identifiers: MedGen C2713442, MONDO:0021056, OMIM 175100. Disease mechanism: loss of function.

gnomAD v4.1: 1 of 1,613,858 alleles (0.000062%); highest among the groups gnomAD compares: Non-Finnish European, 0.000085%; no homozygotes.

Submissions (3):

Ambry Genetics
Classification: Uncertain significance for Hereditary cancer-predisposing syndrome. Last evaluated: 2025-10-03. Review status: criteria provided, single submitter. Criteria: Ambry Variant Classification Scheme 2023. Collection method: clinical testing. Allele origin: germline.
Comment: The p.S2640P variant (also known as c.7918T>C), located in coding exon 15 of the APC gene, results from a T to C substitution at nucleotide position 7918. The serine at codon 2640 is replaced by proline, an amino acid with similar properties. This amino acid position is well conserved in available vertebrate species. In addition, in silico predictors for this gene do not accurately predict pathogenicity. Missense variants in APC are not a common cause of disease (Spier I et al. Genet Med. 2024 Feb;26(2):100992). Based on the available evidence, the clinical significance of this variant remains unclear.

Labcorp Genetics (formerly Invitae), Labcorp
Classification: Uncertain significance for Familial adenomatous polyposis 1. Last evaluated: 2024-03-12. Review status: criteria provided, single submitter. Criteria: Invitae Variant Classification Sherloc (09022015). Collection method: clinical testing. Allele origin: germline.
Comment: This sequence change replaces serine, which is neutral and polar, with proline, which is neutral and non-polar, at codon 2640 of the APC protein (p.Ser2640Pro). This variant is not present in population databases (gnomAD no frequency). This missense change has been observed in individual(s) with pancreatic cancer (PMID: 32255556). ClinVar contains an entry for this variant (Variation ID: 485092). Advanced modeling of protein sequence and biophysical properties (such as structural, functional, and spatial information, amino acid conservation, physicochemical variation, residue mobility, and thermodynamic stability) performed at Invitae indicates that this missense variant is not expected to disrupt APC protein function with a negative predictive value of 95%. In summary, the available evidence is currently insufficient to determine the role of this variant in disease. Therefore, it has been classified as a Variant of Uncertain Significance.

Color Diagnostics, LLC DBA Color Health
Classification: Uncertain significance for Hereditary cancer-predisposing syndrome. Last evaluated: 2018-12-30. Review status: criteria provided, single submitter. Criteria: ACMG Guidelines, 2015. Collection method: clinical testing. Allele origin: germline.

Literature cited by the submitters: PubMed 32255556 (cited by Labcorp Genetics (formerly Invitae), Labcorp).